The following is an entry in ClinVar:

ClinVar aggregate classification (germline): Pathogenic/Likely pathogenic. Review status: criteria provided, multiple submitters, no conflicts (2 of 4 stars). 10 submissions from 10 submitters: Pathogenic (5); Likely pathogenic (4). 1 of the submissions does not count toward it. Last evaluated 2026-05-19.

Conditions:
PKHD1-related disorder. Also called: PKHD1-related condition.
Polycystic kidney disease 4 (PKD4). Also called: POLYCYSTIC KIDNEY AND HEPATIC DISEASE 1; POLYCYSTIC KIDNEY DISEASE, INFANTILE, TYPE I; POLYCYSTIC KIDNEY DISEASE 4 WITH OR WITHOUT POLYCYSTIC LIVER DISEASE; Autosomal Recessive Polycystic Kidney Disease – PKHD1; PKD3. Identifiers: MedGen C4540575, MONDO:0033004, OMIM 263200.
Autosomal recessive polycystic kidney disease (ARPKD). Also called: AR polycystic kidney disease. Identifiers: Orphanet 731, Orphanet 8378, MedGen C0085548, MeSH D017044, MONDO:0009889.

Allele frequency attached by ClinVar (database versions not stated): ExAC 0.00001; gnomAD 0.00011 and 0.00009; TOPMed 0.00020; gnomAD exomes below 0.00001 and 0.00002; 1000 Genomes Project 30x 0.00016; 1000 Genomes Project 0.00020.
gnomAD v4.1: 24 of 1,614,018 alleles (0.0015%); highest among the groups gnomAD compares: Admixed American, 0.027%; no homozygotes.

Submissions (10):

Women's Health and Genetics/Laboratory Corporation of America, LabCorp
Classification: Pathogenic for Autosomal recessive polycystic kidney disease. Last evaluated: 2026-05-19. Review status: criteria provided, single submitter. Criteria: LabCorp Variant Classification Summary - May 2015. Collection method: clinical testing. Allele origin: germline.
Comment: Variant summary: PKHD1 c.8407T>C (p.Cys2803Arg) results in a non-conservative amino acid change located in the G8 domain (IPR019316) of the encoded protein sequence. Algorithms developed to predict the effect of missense changes on protein structure and function all suggest that this variant is likely to be disruptive. The variant allele was found at a frequency of 2e-05 in 251274 control chromosomes. c.8407T>C has been observed in individuals affected with Polycystic Kidney And Hepatic Disease (e.g., Chang_2022, Domingo-Gallego_2022, Rivas_2018, Tong_2016, Gunay-Aygun_2010, Watson_2025). Additionally, at least 1 laboratory has reported this variant to be presumed compound heterozygous with pathogenic variants in multiple individuals with ARPKD who were tested internally (PreventionGenetics, ClinVar). These data indicate that the variant is likely to be associated with disease. To our knowledge, no experimental evidence demonstrating an impact on protein function has been reported. The following publications have been ascertained in the context of this evaluation (PMID: 36573973, 33532864, 30510609, 27752906, 19914852, 39888183). Internally validated machine learning-based Evidence Modeling of protein sequence and biophysical properties (such as structural, functional, and spatial information, amino acid conservation, physicochemical variation, residue mobility, and thermodynamic stability) indicates that this missense variant is expected to disrupt protein function with a positive predictive value of at least 95%. ClinVar contains an entry for this variant (Variation ID: 96432). Based on the evidence outlined above, the variant was classified as pathogenic.

PreventionGenetics, part of Exact Sciences
Classification: Likely pathogenic for PKHD1-related condition. Last evaluated: 2026-02-18. Review status: criteria provided, single submitter. Criteria: ACMG Guidelines, 2015. Collection method: clinical testing. Allele origin: germline.
Comment: The PKHD1 c.8407T>C variant is predicted to result in the amino acid substitution p.Cys2803Arg. This variant has been reported in individuals with autosomal recessive polycystic kidney disease (ARPKD; Gunay-Aygun et al. 2010. PubMed ID: 19914852; Gunay-Aygun et al. 2010. PubMed ID: 20413436; Tong et al. 2016. PubMed ID: 27752906; Rivas et al. 2019. PubMed ID: 30510609; Supplementary Table 2, Domingo-Gallego et al. 2022. PubMed ID: 33532864). At PreventionGenetics, this variant has been identified along with different pathogenic PKHD1 variants in multiple individuals with ARPKD. A different substitution of the same amino acid (p.Cys2803Tyr) has been reported along with a second rare PKHD1 variant in an individual with hepatorenal fibrocystic disease (Park et al. 2016. PubMed ID: 26260382). This variant is reported in 0.0062% of alleles in individuals of African descent in gnomAD. This variant is interpreted as likely pathogenic.

Natera, Inc.
Classification: Likely pathogenic for Autosomal recessive polycystic kidney disease. Last evaluated: 2025-08-28. Review status: criteria provided, single submitter. Criteria: Natera Variant Classification Schema (03/2026). Collection method: clinical testing. Allele origin: germline.
Comment: The c.8407T>C variant in PKHD1 is a missense variant predicted to cause substitution of cysteine to arginine at amino acid 2803. This variant is rare in the general population with a frequency below the threshold expected for the associated phenotype(s). This variant has been observed in one or more individuals affected with the associated recessive disease, as either homozygous or compound heterozygous with a second variant (PMID: 33532864, 19914852). Computational prediction algorithms indicate this variant is likely to affect gene or protein function. Given the available evidence, this variant is classified as Likely Pathogenic.

Labcorp Genetics (formerly Invitae), Labcorp
Classification: Pathogenic for Autosomal recessive polycystic kidney disease. Last evaluated: 2025-06-12. Review status: criteria provided, single submitter. Criteria: Invitae Variant Classification Sherloc (09022015). Collection method: clinical testing. Allele origin: germline.
Comment: This sequence change replaces cysteine, which is neutral and slightly polar, with arginine, which is basic and polar, at codon 2803 of the PKHD1 protein (p.Cys2803Arg). This variant is present in population databases (rs398124495, gnomAD 0.007%). This missense change has been observed in individual(s) with polycystic kidney disease (PMID: 19914852, 33532864). In at least one individual the data is consistent with being in trans (on the opposite chromosome) from a pathogenic variant. ClinVar contains an entry for this variant (Variation ID: 96432). Invitae Evidence Modeling of protein sequence and biophysical properties (such as structural, functional, and spatial information, amino acid conservation, physicochemical variation, residue mobility, and thermodynamic stability) indicates that this missense variant is expected to disrupt PKHD1 protein function with a positive predictive value of 95%. For these reasons, this variant has been classified as Pathogenic.

GeneDx
Classification: Pathogenic. Last evaluated: 2025-03-17. Review status: criteria provided, single submitter. Criteria: GeneDx Variant Classification Process June 2021. Collection method: clinical testing. Allele origin: germline. Affected: yes.
Comment: Identified with another PKHD1 variant in unknown phase in multiple patients with autosomal recessive polycystic kidney disease (PMID: 19914852, 27752906); Not observed at significant frequency in large population cohorts (gnomAD); In silico analysis supports that this missense variant has a deleterious effect on protein structure/function; This variant is associated with the following publications: (PMID: 20413436, 27752906, 30510609, 33532864, 19914852)

Revvity Omics, Revvity
Classification: Likely pathogenic for Polycystic kidney disease 4. Last evaluated: 2025-02-07. Review status: criteria provided, single submitter. Criteria: ACMG Guidelines, 2015. Collection method: clinical testing. Allele origin: germline.

Blueprint Genetics
Classification: Pathogenic for PKHD1-related disorders. Last evaluated: 2020-12-28. Review status: criteria provided, single submitter. Criteria: ACMG Guidelines, 2015. Collection method: clinical testing. Allele origin: germline. Affected: yes. Observed: 1 variant allele.

Molecular Biology Laboratory, Fundació Puigvert
Classification: Pathogenic for Polycystic kidney disease 4. Last evaluated: 2020-02-01. Review status: criteria provided, single submitter. Criteria: ACMG Guidelines, 2015. Collection method: research. Allele origin: paternal. Affected: yes. Study: KidneyPanel_2020.

Eurofins Ntd Llc (ga)
Classification: Likely pathogenic. Last evaluated: 2015-08-20. Review status: criteria provided, single submitter. Criteria: EGL Classification Definitions. Collection method: clinical testing. Allele origin: germline. Observed: 5 variant alleles, 5 heterozygotes.

Counsyl
Classification: Likely pathogenic for Polycystic kidney disease 4. Last evaluated: 2016-10-12. Review status: no assertion criteria provided. Collection method: clinical testing. Allele origin: unknown. Not counted in ClinVar's aggregate classification.

Literature cited by the submitters: PubMed 27752906 (cited by Women's Health and Genetics/Laboratory Corporation of America, LabCorp); PubMed 19914852 (cited by 4 submitters); PubMed 33532864 (cited by 4 submitters); PubMed 36573973 (cited by Women's Health and Genetics/Laboratory Corporation of America, LabCorp); PubMed 30510609 (cited by Women's Health and Genetics/Laboratory Corporation of America, LabCorp); PubMed 39888183 (cited by Women's Health and Genetics/Laboratory Corporation of America, LabCorp).

NM_138694.4(PKHD1):c.8407T>C (p.Cys2803Arg)

Gene: PKHD1 (PKHD1 ciliary IPT domain containing fibrocystin/polyductin; minus strand). Cytogenetic location: 6p12.3.
Variant type: single nucleotide variant.
Coding change: c.8407T>C on transcript NM_138694.4 (MANE Select); coding-DNA position 8407, T replaced by C.
Protein change: p.Cys2803Arg; replaces cysteine 2803 with arginine.
Molecular consequence: missense variant.
Genome position (GRCh38, 1-based): chr6:51,791,269, A>G on the plus strand (T>C on the coding strand, the complement: PKHD1 is on the minus strand). VCF-style: chr6-51791269-A-G. GRCh37 (hg19) VCF-style: chr6-51656067-A-G.
Other names: c.8407T>C, p.Cys2803Arg (NM_170724.3); short protein forms C2803R.
Identifiers: ClinVar variation 96432 (VCV000096432.38), dbSNP rs398124495, ClinGen allele CA224100.
Genomic context (GRCh38, chr6:51,791,269, plus strand): 5'-GCTCGCAATCCTTGTGCCTTTACTCACCAACTTTCAGCTCCCCGCCTGCAATGACCATGC[A>G]TGCCACACTCAGAACATTGCTTCTGTCCACAGGGAAGTCTAAGGTCCCCATCACATACAG-3'
Protein context (NP_619639.3, residues 2793-2813): VDRSNVLSVA[Cys2803Arg]MVIAGGELKV